The following is an entry in ClinVar:

NM_001277062.2(MFF):c.660-7T>C

Gene: MFF (mitochondrial fission factor; plus strand). Cytogenetic location: 2q36.3.
Variant type: single nucleotide variant.
Coding change: c.660-7T>C on transcript NM_001277062.2 (MANE Select); 7 bases into the intron before coding-DNA position 660, T replaced by C.
Molecular consequence: intron variant.
Genome position (GRCh38, 1-based): chr2:227,355,670, T>C. VCF-style: chr2-227355670-T-C. GRCh37 (hg19) VCF-style: chr2-228220386-T-C.
Other names: c.813-7T>C (NM_001277061.2, NM_020194.5); c.516-7T>C (NM_001277063.2); c.501-7T>C (NM_001277064.2); c.441-7T>C (NM_001277065.2, NM_001277066.2); c.450-7T>C (NM_001277067.1); c.543-7T>C (NM_001277068.1).
Identifiers: ClinVar variation 1670133 (VCV001670133.10), dbSNP rs750190140, ClinGen allele CA2148042.
Genomic context (GRCh38, chr2:227,355,670, plus strand): 5'-ATGTGGCGTGCCATTTACTCTGAGTTCTACTTTACTATTCATTTGTATTTCTATCTCTTA[T>C]CTGCAGGTATGGCATTTCAAATATAGATACAACCATTGAAGGAACGTCAGATGACCTGAC-3'

ClinVar aggregate classification (germline): Likely benign. Review status: criteria provided, single submitter (1 of 4 stars). 2 submissions from 2 submitters: Likely benign (1). 1 of the submissions does not count toward it. Last evaluated 2026-01-21.

Conditions:
MFF-related disorder. Also called: MFF-related condition.

Allele frequency attached by ClinVar (database versions not stated): gnomAD 0.00003 and 0.00004; gnomAD exomes 0.00005 and 0.00021; TOPMed 0.00010; ExAC 0.00017.
gnomAD v4.1: 64 of 1,397,036 alleles (0.0046%); highest among the groups gnomAD compares: Admixed American, 0.11%; no homozygotes.

Submissions (2):

Labcorp Genetics (formerly Invitae), Labcorp
Classification: Likely benign. Last evaluated: 2026-01-21. Review status: criteria provided, single submitter. Criteria: Invitae Variant Classification Sherloc (09022015). Collection method: clinical testing. Allele origin: germline.

PreventionGenetics, part of Exact Sciences
Classification: Likely benign for MFF-related condition. Last evaluated: 2020-02-20. Review status: no assertion criteria provided. Collection method: clinical testing. Allele origin: germline. Not counted in ClinVar's aggregate classification.
Comment: This variant is classified as likely benign based on ACMG/AMP sequence variant interpretation guidelines (Richards et al. 2015 PMID: 25741868, with internal and published modifications).